The following is an entry in ClinVar:

ClinVar aggregate classification (germline): Uncertain significance (1 of 4 stars; one submission).

Submission:

GeneDx
Classification: Uncertain significance. Last evaluated: 2025-06-17. Review status: criteria provided, single submitter. Criteria: GeneDx Variant Classification Process June 2021. Collection method: clinical testing. Allele origin: germline. Affected: yes.
Comment: In silico analysis supports that this missense variant has a deleterious effect on protein structure/function; Has not been previously published as pathogenic or benign to our knowledge

NM_005560.6(LAMA5):c.8792G>A (p.Arg2931His)

Gene: LAMA5 (laminin subunit alpha 5; minus strand). Cytogenetic location: 20q13.33.
Variant type: single nucleotide variant.
Coding change: c.8792G>A on transcript NM_005560.6 (MANE Select); coding-DNA position 8792, G replaced by A.
Protein change: p.Arg2931His; replaces arginine 2931 with histidine.
Molecular consequence: missense variant.
Genome position (GRCh38, 1-based): chr20:62,313,327, C>T on the plus strand (G>A on the coding strand, the complement: LAMA5 is on the minus strand). VCF-style: chr20-62313327-C-T. GRCh37 (hg19) VCF-style: chr20-60888383-C-T.
Other names: short protein forms R2931H.
Identifiers: ClinVar variation 4538773 (VCV004538773.1).